The following is an entry in ClinVar:

ClinVar aggregate classification (germline): Uncertain significance (1 of 4 stars; one submission).

Conditions:
Hajdu-Cheney syndrome (HJCYS). Also called: Acroosteolysis dominant type; SERPENTINE FIBULA-POLYCYSTIC KIDNEY SYNDROME; ACROOSTEOLYSIS WITH OSTEOPOROSIS AND CHANGES IN SKULL AND MANDIBLE. Identifiers: Orphanet 955, MedGen C0917715, MONDO:0007057, OMIM 102500.

Submission:

Labcorp Genetics (formerly Invitae), Labcorp
Classification: Uncertain significance for Hajdu-Cheney syndrome. Last evaluated: 2025-08-09. Review status: criteria provided, single submitter. Criteria: Invitae Variant Classification Sherloc (09022015). Collection method: clinical testing. Allele origin: germline.
Comment: This sequence change replaces glycine, which is neutral and non-polar, with glutamic acid, which is acidic and polar, at codon 1199 of the NOTCH2 protein (p.Gly1199Glu). This variant is not present in population databases (gnomAD no frequency). This variant has not been reported in the literature in individuals affected with NOTCH2-related conditions. Invitae Evidence Modeling of protein sequence and biophysical properties (such as structural, functional, and spatial information, amino acid conservation, physicochemical variation, residue mobility, and thermodynamic stability) indicates that this missense variant is not expected to disrupt NOTCH2 protein function with a negative predictive value of 80%. In summary, the available evidence is currently insufficient to determine the role of this variant in disease. Therefore, it has been classified as a Variant of Uncertain Significance.

NM_024408.4(NOTCH2):c.3596G>A (p.Gly1199Glu)

Gene: NOTCH2 (notch receptor 2; minus strand). Cytogenetic location: 1p12.
Variant type: single nucleotide variant.
Coding change: c.3596G>A on transcript NM_024408.4 (MANE Select); coding-DNA position 3596, G replaced by A.
Protein change: p.Gly1199Glu; replaces glycine 1199 with glutamic acid.
Molecular consequence: missense variant.
Genome position (GRCh38, 1-based): chr1:119,935,531, C>T on the plus strand (G>A on the coding strand, the complement: NOTCH2 is on the minus strand). VCF-style: chr1-119935531-C-T. GRCh37 (hg19) VCF-style: chr1-120478154-C-T.
Other names: c.3596G>A, p.Gly1199Glu (NM_001200001.2); short protein forms G1199E.
Identifiers: ClinVar variation 4768669 (VCV004768669.1).